The following is an entry in ClinVar:

ClinVar aggregate classification (germline): Uncertain significance (1 of 4 stars; one submission).

Allele frequency attached by ClinVar (database versions not stated): TOPMed 0.00003; gnomAD 0.00005; ESP Exome Variant Server 0.00008; ExAC 0.00009.
gnomAD v4.1: 62 of 1,612,636 alleles (0.0038%); highest among the groups gnomAD compares: Middle Eastern, 0.033%; no homozygotes.

Submission:

Labcorp Genetics (formerly Invitae), Labcorp
Classification: Uncertain significance. Last evaluated: 2022-04-21. Review status: criteria provided, single submitter. Criteria: Invitae Variant Classification Sherloc (09022015). Collection method: clinical testing. Allele origin: germline.
Comment: In summary, the available evidence is currently insufficient to determine the role of this variant in disease. Therefore, it has been classified as a Variant of Uncertain Significance. Algorithms developed to predict the effect of missense changes on protein structure and function output the following: SIFT: "Tolerated"; PolyPhen-2: "Benign"; Align-GVGD: "Class C0". The glutamine amino acid residue is found in multiple mammalian species, which suggests that this missense change does not adversely affect protein function. This variant has not been reported in the literature in individuals affected with DNAH9-related conditions. This variant is present in population databases (rs373282033, gnomAD 0.01%). This sequence change replaces arginine, which is basic and polar, with glutamine, which is neutral and polar, at codon 2818 of the DNAH9 protein (p.Arg2818Gln).

NM_001372.4(DNAH9):c.8453G>A (p.Arg2818Gln)

Gene: DNAH9 (dynein axonemal heavy chain 9; plus strand). Cytogenetic location: 17p12.
Variant type: single nucleotide variant.
Coding change: c.8453G>A on transcript NM_001372.4 (MANE Select); coding-DNA position 8453, G replaced by A.
Protein change: p.Arg2818Gln; replaces arginine 2818 with glutamine.
Molecular consequence: missense variant.
Genome position (GRCh38, 1-based): chr17:11,807,764, G>A. VCF-style: chr17-11807764-G-A. GRCh37 (hg19) VCF-style: chr17-11711081-G-A.
Other names: short protein forms R2818Q.
Identifiers: ClinVar variation 2186318 (VCV002186318.3), dbSNP rs373282033, ClinGen allele CA8396938.